The following is an entry in ClinVar:

ClinVar aggregate classification (germline): Uncertain significance (1 of 4 stars; one submission).

Submission:

Labcorp Genetics (formerly Invitae), Labcorp
Classification: Uncertain significance. Last evaluated: 2023-11-18. Review status: criteria provided, single submitter. Criteria: Invitae Variant Classification Sherloc (09022015). Collection method: clinical testing. Allele origin: germline.
Comment: This variant, c.1097_1114del, results in the deletion of 6 amino acid(s) of the CNGB1 protein (p.Glu366_Glu371del), but otherwise preserves the integrity of the reading frame. The frequency data for this variant in the population databases is considered unreliable, as metrics indicate poor data quality at this position in the gnomAD database. This variant has not been reported in the literature in individuals affected with CNGB1-related conditions. ClinVar contains an entry for this variant (Variation ID: 1984291). Experimental studies and prediction algorithms are not available or were not evaluated, and the functional significance of this variant is currently unknown. In summary, the available evidence is currently insufficient to determine the role of this variant in disease. Therefore, it has been classified as a Variant of Uncertain Significance.

NM_001297.5(CNGB1):c.1097_1114del (p.Glu366_Glu371del)

Gene: CNGB1 (cyclic nucleotide gated channel subunit beta 1; minus strand). Cytogenetic location: 16q21.
Variant type: Deletion.
Coding change: c.1097_1114del on transcript NM_001297.5 (MANE Select); coding-DNA positions 1097 to 1114, 18 bases deleted (AGGAGGAAGAGGAGGAGG).
Protein change: p.Glu366_Glu371del.
Molecular consequence: inframe deletion.
Genome position (GRCh38, 1-based): chr16:57,949,360-57,949,377, CCTCCTCCTCTTCCTCCT deleted on the plus strand (AGGAGGAAGAGGAGGAGG on the coding strand, the reverse complement: CNGB1 is on the minus strand); deleting any 18 consecutive bases within chr16:57,949,360-57,949,393 gives the same sequence; the c. name uses the placement nearest the transcript's 3' end. VCF-style (leftmost placement, unchanged base first): chr16-57949359-ACCTCCTCCTCTTCCTCCT-A. GRCh37 (hg19) VCF-style: chr16-57983263-ACCTCCTCCTCTTCCTCCT-A.
Other names: c.1079_1096del, p.Glu360_Glu365del (NM_001286130.2).
Identifiers: ClinVar variation 1984291 (VCV001984291.4), dbSNP rs750570422, ClinGen allele CA8083556.
Genomic context (GRCh38, chr16:57,949,359, plus strand): 5'-CTCAGCCAACCCCAGCCCCAGGGCCGTTCCCAGACAGGTGAGCAAATGACTTACTCAGTC[ACCTCCTCCTCTTCCTCCT>A]CCTCCTCCTCTTCCTCTTCCTCCTCCTCATCTTCTTTCTCCTCTTCAATCCGGGACAGCT-3'